The following is an entry in ClinVar:

ClinVar aggregate classification (germline): Uncertain significance (1 of 4 stars; one submission).

Conditions:
Ullrich congenital muscular dystrophy 2 (UCMD2). Identifiers: Orphanet 75840, MedGen C4225314, MONDO:0014654, OMIM 616470.
Bethlem myopathy 2 (BTHLM2). Identifiers: Orphanet 536516, Orphanet 610, MedGen C4225313, MONDO:0034022, OMIM 616471.

Allele frequency attached by ClinVar (database versions not stated): gnomAD exomes below 0.00001.
gnomAD v4.1: 1 of 1,595,098 alleles (0.000063%); highest among the groups gnomAD compares: Non-Finnish European, 0.000086%; no homozygotes.

Submission:

Labcorp Genetics (formerly Invitae), Labcorp
Classification: Uncertain significance for Bethlem myopathy 2; Ullrich congenital muscular dystrophy 2. Last evaluated: 2022-10-29. Review status: criteria provided, single submitter. Criteria: Invitae Variant Classification Sherloc (09022015). Collection method: clinical testing. Allele origin: germline.
Comment: In summary, the available evidence is currently insufficient to determine the role of this variant in disease. Therefore, it has been classified as a Variant of Uncertain Significance. Algorithms developed to predict the effect of missense changes on protein structure and function (SIFT, PolyPhen-2, Align-GVGD) all suggest that this variant is likely to be disruptive. This variant has not been reported in the literature in individuals affected with COL12A1-related conditions. This variant is not present in population databases (gnomAD no frequency). This sequence change replaces leucine, which is neutral and non-polar, with histidine, which is basic and polar, at codon 2573 of the COL12A1 protein (p.Leu2573His).

NM_004370.6(COL12A1):c.7718T>A (p.Leu2573His)

Gene: COL12A1 (collagen type XII alpha 1 chain; minus strand). Cytogenetic location: 6q13.
Variant type: single nucleotide variant.
Coding change: c.7718T>A on transcript NM_004370.6 (MANE Select); coding-DNA position 7718, T replaced by A.
Protein change: p.Leu2573His; replaces leucine 2573 with histidine.
Molecular consequence: missense variant.
Genome position (GRCh38, 1-based): chr6:75,113,724, A>T on the plus strand (T>A on the coding strand, the complement: COL12A1 is on the minus strand). VCF-style: chr6-75113724-A-T. GRCh37 (hg19) VCF-style: chr6-75823440-A-T.
Other names: c.7445T>A, p.Leu2482His (NM_001424115.1); c.4226T>A, p.Leu1409His (NM_001424116.1, NM_080645.3); c.7718T>A, p.Leu2573His (NM_001424113.1); c.7697T>A, p.Leu2566His (NM_001424114.1); short protein forms L2482H, L2566H, L1409H, L2573H.
Identifiers: ClinVar variation 2941105 (VCV002941105.3), dbSNP rs1321113819, ClinGen allele CA364744455.